The following is an entry in ClinVar:

ClinVar aggregate classification (germline): Likely benign (1 of 4 stars; one submission).

Submission:

CeGaT Center for Human Genetics Tuebingen
Classification: Likely benign. Last evaluated: 2025-10-01. Review status: criteria provided, single submitter. Criteria: CeGaT Center For Human Genetics Tuebingen Variant Classification Criteria Version 2. Collection method: clinical testing. Allele origin: germline. Affected: yes. Observed: 2 variant alleles.
Comment: MUC1: BP4, BP7

NM_002456.6(MUC1):c.160-358C>T

Gene: MUC1 (mucin 1, cell surface associated; minus strand). Cytogenetic location: 1q22.
Variant type: single nucleotide variant.
Coding change: c.160-358C>T on transcript NM_002456.6; 358 bases into the intron before coding-DNA position 160, C replaced by T.
Molecular consequence: intron variant. On other transcripts: synonymous variant (1).
Genome position (GRCh38, 1-based): chr1:155,188,643, G>A on the plus strand (C>T on the coding strand, the complement: MUC1 is on the minus strand). VCF-style: chr1-155188643-G-A. GRCh37 (hg19) VCF-style: chr1-155161119-G-A.
Other names: c.2673C>T, p.His891= (NM_001371720.2); c.187-580C>T (NM_001204291.1); c.187-431C>T (NM_001204292.1, NM_001204296.2); c.187-412C>T (NM_001204295.1, NM_001044392.3, NM_001204288.2 and 1 more transcripts); c.462-27C>T (NM_001204286.1); c.124-589C>T (NM_001204290.2); c.160-431C>T (NM_001204294.2, NM_001044393.3, NM_001044390.3); c.160-412C>T (NM_001044391.3, NM_001018017.3); and 4 more.
Identifiers: ClinVar variation 4280884 (VCV004280884.7).